The following is an entry in ClinVar:

NM_005908.4(MANBA):c.1829A>C (p.Asp610Ala)

Gene: MANBA (mannosidase beta; minus strand). Cytogenetic location: 4q24.
Variant type: single nucleotide variant.
Coding change: c.1829A>C on transcript NM_005908.4 (MANE Select); coding-DNA position 1829, A replaced by C.
Protein change: p.Asp610Ala; replaces aspartic acid 610 with alanine.
Molecular consequence: missense variant.
Genome position (GRCh38, 1-based): chr4:102,650,577, T>G on the plus strand (A>C on the coding strand, the complement: MANBA is on the minus strand). VCF-style: chr4-102650577-T-G. GRCh37 (hg19) VCF-style: chr4-103571734-T-G.
Other names: short protein forms D610A.
Identifiers: ClinVar variation 2058205 (VCV002058205.1), dbSNP rs933281959, ClinGen allele CA102723517.

ClinVar aggregate classification (germline): Uncertain significance (1 of 4 stars; one submission).

Conditions:
Beta-D-mannosidosis (MANSB). Also called: MANNOSIDOSIS, BETA A, LYSOSOMAL; BETA-MANNOSIDASE DEFICIENCY; LYSOSOMAL BETA-MANNOSIDASE DEFICIENCY; Beta-Mannosidosis. Identifiers: Orphanet 118, MedGen C4048196, MONDO:0009562, OMIM 248510.

Allele frequency attached by ClinVar (database versions not stated): gnomAD exomes below 0.00001; gnomAD 0.00002; TOPMed 0.00001.
gnomAD v4.1: 5 of 1,613,426 alleles (0.00031%); highest among the groups gnomAD compares: African/African-American, 0.0053%; no homozygotes.

Submission:

Labcorp Genetics (formerly Invitae), Labcorp
Classification: Uncertain significance for Beta-D-mannosidosis. Last evaluated: 2022-06-05. Review status: criteria provided, single submitter. Criteria: Invitae Variant Classification Sherloc (09022015). Collection method: clinical testing. Allele origin: germline.
Comment: This sequence change replaces aspartic acid, which is acidic and polar, with alanine, which is neutral and non-polar, at codon 610 of the MANBA protein (p.Asp610Ala). This variant is not present in population databases (gnomAD no frequency). This variant has not been reported in the literature in individuals affected with MANBA-related conditions. Algorithms developed to predict the effect of missense changes on protein structure and function are either unavailable or do not agree on the potential impact of this missense change (SIFT: "Deleterious"; PolyPhen-2: "Possibly Damaging"; Align-GVGD: "Class C0"). In summary, the available evidence is currently insufficient to determine the role of this variant in disease. Therefore, it has been classified as a Variant of Uncertain Significance.